The following is an entry in ClinVar:

NM_001371596.2(MFSD8):c.658C>G (p.Leu220Val)

Gene: MFSD8 (major facilitator superfamily domain containing 8; minus strand). Cytogenetic location: 4q28.2.
Variant type: single nucleotide variant.
Coding change: c.658C>G on transcript NM_001371596.2 (MANE Select); coding-DNA position 658, C replaced by G.
Protein change: p.Leu220Val; replaces leucine 220 with valine.
Molecular consequence: missense variant. On other transcripts: intron variant (5).
Genome position (GRCh38, 1-based): chr4:127,939,893, G>C on the plus strand (C>G on the coding strand, the complement: MFSD8 is on the minus strand). VCF-style: chr4-127939893-G-C. GRCh37 (hg19) VCF-style: chr4-128861048-G-C.
Other names: c.523C>G, p.Leu175Val (NM_001371590.2); c.658C>G, p.Leu220Val (NM_001371591.2, NM_152778.4); c.664C>G, p.Leu222Val (NM_001371592.2); c.544C>G, p.Leu182Val (NM_001371593.2, NM_001410766.1); c.419-1057C>G (NM_001371595.1); c.304+3859C>G (NM_001410765.1); c.439+3859C>G (NM_001363521.3); c.553+2152C>G (NM_001363520.3); and 1 more; short protein forms L175V, L220V, L222V, L182V.
Identifiers: ClinVar variation 1034609 (VCV001034609.4), dbSNP rs142063476, ClinGen allele CA3077419.
Genomic context (GRCh38, chr4:127,939,893, plus strand): 5'-TATCATTTCTATCTAATTACCTTAGTATGGCAAGGATCAGAATAATATTTAAAATTCCCA[G>C]GAAGGCGCTAAGTAAAACTGGTGTTGTATACATGTTTATCTGCAGTTTAATCACATCCCA-3'
Protein context (NP_001358525.1, residues 210-230): YTTPVLLSAF[Leu220Val]GILNIILILA

ClinVar aggregate classification (germline): Uncertain significance (1 of 4 stars; one submission).

Conditions:
Neuronal ceroid lipofuscinosis 7 (CLN7). Also called: MFSD8-Related Neuronal Ceroid-Lipofuscinosis. Identifiers: Orphanet 168491, Orphanet 228366, MedGen C1838571, MONDO:0012588, OMIM 610951.

Allele frequency attached by ClinVar (database versions not stated): gnomAD exomes below 0.00001; ExAC 0.00001; ESP Exome Variant Server 0.00008.
gnomAD v4.1: 1 of 1,613,370 alleles (0.000062%); highest among the groups gnomAD compares: Middle Eastern, 0.017%; no homozygotes.

Submission:

Labcorp Genetics (formerly Invitae), Labcorp
Classification: Uncertain significance for Neuronal ceroid lipofuscinosis 7. Last evaluated: 2022-03-19. Review status: criteria provided, single submitter. Criteria: Invitae Variant Classification Sherloc (09022015). Collection method: clinical testing. Allele origin: germline.
Comment: In summary, the available evidence is currently insufficient to determine the role of this variant in disease. Therefore, it has been classified as a Variant of Uncertain Significance. Algorithms developed to predict the effect of sequence changes on RNA splicing suggest that this variant may create or strengthen a splice site. Algorithms developed to predict the effect of missense changes on protein structure and function (SIFT, PolyPhen-2, Align-GVGD) all suggest that this variant is likely to be tolerated. ClinVar contains an entry for this variant (Variation ID: 1034609). This variant has not been reported in the literature in individuals affected with MFSD8-related conditions. This variant is present in population databases (rs142063476, gnomAD 0.007%). This sequence change replaces leucine, which is neutral and non-polar, with valine, which is neutral and non-polar, at codon 220 of the MFSD8 protein (p.Leu220Val).